The following is an entry in ClinVar:

NC_000009.12:g.35657688T>C

Gene: RMRP (RNA component of mitochondrial RNA processing endoribonuclease; minus strand). Cytogenetic location: 9p13.3.
Variant type: single nucleotide variant.
Genome position: GRCh38 VCF-style: chr9-35657688-T-C. GRCh37 (hg19) VCF-style: chr9-35657685-T-C.
Identifiers: ClinVar variation 1418349 (VCV001418349.3), dbSNP rs2131807579, ClinGen allele CA2573144610.

ClinVar aggregate classification (germline): Uncertain significance (1 of 4 stars; one submission).

Conditions:
Anauxetic dysplasia. Identifiers: Orphanet 93347, MedGen C1846796, MONDO:0011773.

Submission:

Labcorp Genetics (formerly Invitae), Labcorp
Classification: Uncertain significance for Anauxetic dysplasia. Last evaluated: 2022-05-18. Review status: criteria provided, single submitter. Criteria: Invitae Variant Classification Sherloc (09022015). Collection method: clinical testing. Allele origin: germline.
Comment: This variant occurs in the RMRP gene, which encodes an RNA molecule that does not result in a protein product. This variant is not present in population databases (gnomAD no frequency). This variant has not been reported in the literature in individuals affected with RMRP-related conditions. Experimental studies and prediction algorithms are not available or were not evaluated, and the functional significance of this variant is currently unknown. In summary, the available evidence is currently insufficient to determine the role of this variant in disease. Therefore, it has been classified as a Variant of Uncertain Significance.